The following is an entry in ClinVar:

ClinVar aggregate classification (germline): Uncertain significance (1 of 4 stars; one submission).

Conditions:
Leigh syndrome (NULS). Also called: Leigh's necrotizing encephalopathy; Leigh's disease; Leigh Syndrome (mtDNA deletion); Leigh Disease; Subacute necrotizing encephalopathy; Necrotizing encephalopathy infantile subacute of Leigh. Identifiers: Orphanet 506, MedGen C2931891, MONDO:0009723, OMIM 256000.

Submission:

Wong Mito Lab, Molecular and Human Genetics, Baylor College of Medicine
Classification: Uncertain significance for Leigh syndrome. Last evaluated: 2019-10-17. Review status: criteria provided, single submitter. Criteria: Modified ACMG Guidelines (Unpublished). Collection method: clinical testing. Allele origin: germline.
Comment: The NC_012920.1:m.9202A>G (YP_003024031.1:p.Thr226Ala) variant in MTATP6 gene is interpretated to be a Uncertain Significance variant based on the modified ACMG guidelines (unpublished). This variant meets the following evidence codes: PP4

NC_012920.1(MT-ATP6):m.9202A>G

Gene: MT-ATP6 (mitochondrially encoded ATP synthase 6; plus strand).
Variant type: single nucleotide variant.
Genome position: chrM-9202-A-G.
Identifiers: ClinVar variation 693123 (VCV000693123.1), dbSNP rs1603222169, ClinGen allele CA414802416.